The following is an entry in ClinVar:

NM_006767.4(LZTR1):c.1092_1093del (p.Phe365fs)

Gene: LZTR1 (leucine zipper like post translational regulator 1; plus strand). Cytogenetic location: 22q11.21.
Variant type: Microsatellite.
Coding change: c.1092_1093del on transcript NM_006767.4 (MANE Select); coding-DNA positions 1092 to 1093, 2 bases deleted (GT; older notation c.1092_1093delGT).
Protein change: p.Phe365fs; shifts the reading frame from phenylalanine 365.
Molecular consequence: frameshift variant.
Genome position (GRCh38, 1-based): chr22:20,992,312-20,992,313, GT deleted; deleting any 2 consecutive bases within chr22:20,992,309-20,992,313 gives the same sequence; the c. name uses the placement nearest the transcript's 3' end. VCF-style (leftmost placement, unchanged base first): chr22-20992308-ATG-A. GRCh37 (hg19) VCF-style: chr22-21346597-ATG-A.
Other names: short protein forms F365fs.
Identifiers: ClinVar variation 3766838 (VCV003766838.1).
Genomic context (GRCh38, chr22:20,992,308, plus strand): 5'-CTTCCGAGGAGGTGCCCACCCTGACCTATGAGGAGCGGGTTGGCTTCAAGAAGTCCCGAG[ATG>A]TGTTTGGCCTGGACTTTGGCACCACCTCAGCCAAGCAGCCCACCCAGCCTGCCTCGGAGG-3'

ClinVar aggregate classification (germline): Likely pathogenic (1 of 4 stars; one submission).

Submission:

ARUP Laboratories, Molecular Genetics and Genomics, ARUP Laboratories
Classification: Likely pathogenic. Last evaluated: 2024-09-17. Review status: criteria provided, single submitter. Criteria: ARUP Molecular Germline Variant Investigation Process 2024. Collection method: clinical testing. Allele origin: germline.
Comment: The LZTR1 c.1092_1093del; p.Phe365TrpfsTer61 variant (rs1924635780), to our knowledge, is not reported in the medical literature or gene specific databases. This variant is also absent from the Genome Aggregation Database (v2.1.1), indicating it is not a common polymorphism. This variant causes a frameshift by deleting two nucleotides, so it is predicted to result in a truncated protein or mRNA subject to nonsense-mediated decay. Additionally, several downstream truncating variants have been described in individuals with Schwannomatosis and are considered pathogenic (Deiller 2019, Herrero San Martin 2020). Based on available information, this variant is considered to be likely pathogenic. References: Deiller C et al. Coexistence of schwannomatosis and glioblastoma in two families. Eur J Med Genet. 2019 Aug;62(8):103680. PMID: 31128261. Herrero San Martin A et al. Schwannoma of the posterior tibial nerve in a patient with schwannomatosis and a novel mutation of the LZTR1 gene. Neurologia (Engl Ed). 2020 Nov-Dec;35(9):657-659. English, Spanish. PMID: 31892430.